The following is an entry in ClinVar:

NM_004958.4(MTOR):c.83G>A (p.Gly28Asp)

Gene: MTOR (mechanistic target of rapamycin kinase; minus strand). Cytogenetic location: 1p36.22.
Variant type: single nucleotide variant.
Coding change: c.83G>A on transcript NM_004958.4 (MANE Select); coding-DNA position 83, G replaced by A.
Protein change: p.Gly28Asp; replaces glycine 28 with aspartic acid.
Molecular consequence: missense variant. On other transcripts: 5 prime UTR variant (1).
Genome position (GRCh38, 1-based): chr1:11,259,327, C>T on the plus strand (G>A on the coding strand, the complement: MTOR is on the minus strand). VCF-style: chr1-11259327-C-T. GRCh37 (hg19) VCF-style: chr1-11319384-C-T.
Other names: c.83G>A, p.Gly28Asp (NM_001386500.1); c.-1057G>A (NM_001386501.1); short protein forms G28D.
Identifiers: ClinVar variation 1313600 (VCV001313600.7), dbSNP rs1650814881, ClinGen allele CA338405331.

ClinVar aggregate classification (germline): Uncertain significance. Review status: criteria provided, multiple submitters, no conflicts (2 of 4 stars). 2 submissions from 2 submitters: Uncertain significance (2). Last evaluated 2022-07-27.

Submissions (2):

Labcorp Genetics (formerly Invitae), Labcorp
Classification: Uncertain significance. Last evaluated: 2022-07-27. Review status: criteria provided, single submitter. Criteria: Invitae Variant Classification Sherloc (09022015). Collection method: clinical testing. Allele origin: germline.
Comment: In summary, the available evidence is currently insufficient to determine the role of this variant in disease. Therefore, it has been classified as a Variant of Uncertain Significance. Advanced modeling of protein sequence and biophysical properties (such as structural, functional, and spatial information, amino acid conservation, physicochemical variation, residue mobility, and thermodynamic stability) performed at Invitae indicates that this missense variant is expected to disrupt MTOR protein function. ClinVar contains an entry for this variant (Variation ID: 1313600). This variant has not been reported in the literature in individuals affected with MTOR-related conditions. This variant is not present in population databases (gnomAD no frequency). This sequence change replaces glycine, which is neutral and non-polar, with aspartic acid, which is acidic and polar, at codon 28 of the MTOR protein (p.Gly28Asp).

GeneDx
Classification: Uncertain significance. Last evaluated: 2020-10-23. Review status: criteria provided, single submitter. Criteria: GeneDx Variant Classification Process June 2021. Collection method: clinical testing. Allele origin: germline. Affected: yes.
Comment: Not observed in large population cohorts (Lek et al., 2016); In silico analysis supports that this missense variant has a deleterious effect on protein structure/function; Has not been previously published as pathogenic or benign to our knowledge